The following is an entry in ClinVar:

ClinVar aggregate classification (germline): Uncertain significance. Review status: criteria provided, multiple submitters, no conflicts (2 of 4 stars). 2 submissions from 2 submitters: Uncertain significance (2). Last evaluated 2025-04-23.

Conditions:
Inborn genetic diseases. Identifiers: MedGen C0950123, MeSH D030342.
Baller-Gerold syndrome (BGS). Also called: CRANIOSYNOSTOSIS WITH RADIAL DEFECTS. Identifiers: Orphanet 1225, MedGen C0265308, MONDO:0009039, OMIM 218600.

Submissions (2):

Labcorp Genetics (formerly Invitae), Labcorp
Classification: Uncertain significance for Baller-Gerold syndrome. Last evaluated: 2025-04-23. Review status: criteria provided, single submitter. Criteria: Invitae Variant Classification Sherloc (09022015). Collection method: clinical testing. Allele origin: germline.
Comment: This sequence change replaces arginine, which is basic and polar, with lysine, which is basic and polar, at codon 318 of the RECQL4 protein (p.Arg318Lys). This variant is not present in population databases (gnomAD no frequency). This variant has not been reported in the literature in individuals affected with RECQL4-related conditions. ClinVar contains an entry for this variant (Variation ID: 861896). Experimental studies and prediction algorithms are not available or were not evaluated, and the functional significance of this variant is currently unknown. In summary, the available evidence is currently insufficient to determine the role of this variant in disease. Therefore, it has been classified as a Variant of Uncertain Significance.

Ambry Genetics
Classification: Uncertain significance for Inborn genetic diseases. Last evaluated: 2025-01-13. Review status: criteria provided, single submitter. Criteria: Ambry Variant Classification Scheme 2023. Collection method: clinical testing. Allele origin: germline.
Comment: The p.R318K variant (also known as c.953G>A), located in coding exon 5 of the RECQL4 gene, results from a G to A substitution at nucleotide position 953. The arginine at codon 318 is replaced by lysine, an amino acid with highly similar properties. This amino acid position is conserved. In addition, this alteration is predicted to be tolerated by in silico analysis. Based on the available evidence, the clinical significance of this variant remains unclear.

NM_004260.4(RECQL4):c.953G>A (p.Arg318Lys)

Gene: RECQL4 (RecQ like helicase 4; minus strand). Cytogenetic location: 8q24.3.
Variant type: single nucleotide variant.
Coding change: c.953G>A on transcript NM_004260.4 (MANE Select); coding-DNA position 953, G replaced by A.
Protein change: p.Arg318Lys; replaces arginine 318 with lysine.
Molecular consequence: missense variant.
Genome position (GRCh38, 1-based): chr8:144,516,166, C>T on the plus strand (G>A on the coding strand, the complement: RECQL4 is on the minus strand). VCF-style: chr8-144516166-C-T. GRCh37 (hg19) VCF-style: chr8-145741550-C-T.
Other names: short protein forms R318K.
Identifiers: ClinVar variation 861896 (VCV000861896.6), dbSNP rs1814927713, ClinGen allele CA372688565.
Genomic context (GRCh38, chr8:144,516,166, plus strand): 5'-GGGGCTGTGCCCTCAGCCTTCCCAGCCCTAGCTTGACTGGAGGGGCTGAGTCCGTGGTAC[C>T]TGGGGTTCGATGGGCTGCTGCAGGGCTGAGGTGGCTGTGCCTGTACAGGTTCCCCTGGAG-3'
Protein context (NP_004251.4, residues 308-328): PQPCSSPSNP[Arg318Lys]YHGLSPSSQA